The following is an entry in ClinVar:

NM_001159699.2(FHL1):c.635C>G (p.Ala212Gly)

Gene: FHL1 (four and a half LIM domains 1; plus strand). Cytogenetic location: Xq26.3.
Variant type: single nucleotide variant.
Coding change: c.635C>G on transcript NM_001159699.2 (MANE Select); coding-DNA position 635, C replaced by G.
Protein change: p.Ala212Gly; replaces alanine 212 with glycine.
Molecular consequence: missense variant. On other transcripts: non-coding transcript variant (1), intron variant (2).
Genome position (GRCh38, 1-based): chrX:136,208,540, C>G. VCF-style: chrX-136208540-C-G. GRCh37 (hg19) VCF-style: chrX-135290699-C-G.
Other names: c.587C>G, p.Ala196Gly (NM_001159700.2, NM_001159702.3, NM_001159704.1 and 8 more transcripts); c.674C>G, p.Ala225Gly (NM_001159701.2); c.501+579C>G (NM_001159703.2); c.549+579C>G (NM_001330659.2); short protein forms A212G, A225G, A196G.
Identifiers: ClinVar variation 1430602 (VCV001430602.8), dbSNP rs2073912710, ClinGen allele CA414608886.

ClinVar aggregate classification (germline): Uncertain significance (1 of 4 stars; one submission).

Conditions:
X-linked myopathy with postural muscle atrophy. Also called: FHL1-Related Emery-Dreifuss Muscular Dystrophy, X-Linked. Identifiers: Orphanet 178461, MedGen C2678055, MONDO:0010401, OMIM 300696.

Submission:

Labcorp Genetics (formerly Invitae), Labcorp
Classification: Uncertain significance for X-linked myopathy with postural muscle atrophy. Last evaluated: 2021-01-21. Review status: criteria provided, single submitter. Criteria: Invitae Variant Classification Sherloc (09022015). Collection method: clinical testing. Allele origin: germline.
Comment: Algorithms developed to predict the effect of sequence changes on RNA splicing suggest that this variant may create or strengthen a splice site, but this prediction has not been confirmed by published transcriptional studies. In summary, the available evidence is currently insufficient to determine the role of this variant in disease. Therefore, it has been classified as a Variant of Uncertain Significance. Algorithms developed to predict the effect of missense changes on protein structure and function are either unavailable or do not agree on the potential impact of this missense change (SIFT: "Deleterious"; PolyPhen-2: "Benign"; Align-GVGD: "Class C0"). This variant has not been reported in the literature in individuals with FHL1-related conditions. This variant is not present in population databases (ExAC no frequency). This sequence change replaces alanine with glycine at codon 196 of the FHL1 protein (p.Ala196Gly). The alanine residue is highly conserved and there is a small physicochemical difference between alanine and glycine.